The following is an entry in ClinVar:

ClinVar aggregate classification (germline): Likely benign (1 of 4 stars; one submission).

Allele frequency attached by ClinVar (database versions not stated): TOPMed 0.00002; ExAC 0.00001; gnomAD 0.00002.
gnomAD v4.1: 27 of 1,208,645 alleles (0.0022%); highest among the groups gnomAD compares: Middle Eastern, 0.046%; no homozygotes.

Submission:

CeGaT Center for Human Genetics Tuebingen
Classification: Likely benign. Last evaluated: 2022-11-01. Review status: criteria provided, single submitter. Criteria: CeGaT Center For Human Genetics Tuebingen Variant Classification Criteria Version 2. Collection method: clinical testing. Allele origin: germline. Affected: yes. Observed: 1 variant allele.
Comment: VSIG1: BP4, BP7, BS2

NM_182607.5(VSIG1):c.666C>T (p.Cys222=)

Gene: VSIG1 (V-set and immunoglobulin domain containing 1; plus strand). Cytogenetic location: Xq22.3.
Variant type: single nucleotide variant.
Coding change: c.666C>T on transcript NM_182607.5 (MANE Select); coding-DNA position 666, C replaced by T.
Protein change: p.Cys222=; no amino-acid change (cysteine 222 retained).
Molecular consequence: synonymous variant.
Genome position (GRCh38, 1-based): chrX:108,073,347, C>T. VCF-style: chrX-108073347-C-T. GRCh37 (hg19) VCF-style: chrX-107316577-C-T.
Other names: c.774C>T, p.Cys258= (NM_001170553.2).
Identifiers: ClinVar variation 2661158 (VCV002661158.24), dbSNP rs764140353, ClinGen allele CA10486553.